The following is an entry in ClinVar:

ClinVar aggregate classification (germline): Uncertain significance (1 of 4 stars; one submission).

Conditions:
Cardiovascular phenotype. Identifiers: MedGen CN230736.

Submission:

Ambry Genetics
Classification: Uncertain significance for Cardiovascular phenotype. Last evaluated: 2024-08-03. Review status: criteria provided, single submitter. Criteria: Ambry Variant Classification Scheme 2023. Collection method: clinical testing. Allele origin: germline.
Comment: The p.K336E variant (also known as c.1006A>G), located in coding exon 5 of the JUP gene, results from an A to G substitution at nucleotide position 1006. The lysine at codon 336 is replaced by glutamic acid, an amino acid with similar properties. This amino acid position is conserved. In addition, the in silico prediction for this alteration is inconclusive. Based on the available evidence, the clinical significance of this variant remains unclear.

NM_002230.4(JUP):c.1006A>G (p.Lys336Glu)

Gene: JUP (junction plakoglobin; minus strand). Cytogenetic location: 17q21.2.
Variant type: single nucleotide variant.
Coding change: c.1006A>G on transcript NM_002230.4 (MANE Select); coding-DNA position 1006, A replaced by G.
Protein change: p.Lys336Glu; replaces lysine 336 with glutamic acid.
Molecular consequence: missense variant.
Genome position (GRCh38, 1-based): chr17:41,764,971, T>C on the plus strand (A>G on the coding strand, the complement: JUP is on the minus strand). VCF-style: chr17-41764971-T-C. GRCh37 (hg19) VCF-style: chr17-39921223-T-C.
Other names: c.1006A>G, p.Lys336Glu (NM_001352773.2, NM_001352774.2, NM_001352775.2 and 3 more transcripts); short protein forms K336E.
Identifiers: ClinVar variation 3531616 (VCV003531616.1).